The following is an entry in ClinVar:

NM_000195.5(HPS1):c.1315C>T (p.Arg439Ter)

Gene: HPS1 (HPS1 biogenesis of lysosomal organelles complex 3 subunit 1; minus strand). Cytogenetic location: 10q24.2.
Variant type: single nucleotide variant.
Coding change: c.1315C>T on transcript NM_000195.5 (MANE Select); coding-DNA position 1315, C replaced by T.
Protein change: p.Arg439Ter; replaces arginine 439 with a stop codon.
Molecular consequence: nonsense.
Genome position (GRCh38, 1-based): chr10:98,425,561, G>A on the plus strand (C>T on the coding strand, the complement: HPS1 is on the minus strand). VCF-style: chr10-98425561-G-A. GRCh37 (hg19) VCF-style: chr10-100185318-G-A.
Other names: NM_001322489.2:c.343C>T; c.343C>T, p.Arg115Ter (NM_001311345.2, NM_001322487.2, NM_001322489.2); c.1315C>T, p.Arg439Ter (NM_001322476.2, NM_001322477.2); c.1216C>T, p.Arg406Ter (NM_001322478.2, NM_001322479.2); c.1054C>T, p.Arg352Ter (NM_001322480.2, NM_001322481.2); c.955C>T, p.Arg319Ter (NM_001322482.2); c.946C>T, p.Arg316Ter (NM_001322483.2, NM_001322484.2); c.847C>T, p.Arg283Ter (NM_001322485.2); and 1 more; short protein forms R115*, R283*, R316*, R319*, R352*, R406*, R439*.
Identifiers: ClinVar variation 1341379 (VCV001341379.10), dbSNP rs1185127836, ClinGen allele CA378047609.

ClinVar aggregate classification (germline): Pathogenic. Review status: criteria provided, multiple submitters, no conflicts (2 of 4 stars). 6 submissions from 6 submitters: Pathogenic (6). Last evaluated 2025-07-09.

Conditions:
Hermansky-Pudlak syndrome (HPS). Also called: ALBINISM WITH HEMORRHAGIC DIATHESIS AND PIGMENTED RETICULOENDOTHELIAL CELLS. Identifiers: Orphanet 79430, MedGen C0079504, MONDO:0019312.
Hermansky-Pudlak syndrome 1 (HPS1). Also called: DELTA STORAGE POOL DISEASE. Identifiers: Orphanet 231500, Orphanet 79430, MedGen C2931875, MONDO:0008748, OMIM 203300.

Allele frequency attached by ClinVar (database versions not stated): TOPMed 0.00001; gnomAD 0.00001.

Submissions (6):

Labcorp Genetics (formerly Invitae), Labcorp
Classification: Pathogenic. Last evaluated: 2025-07-09. Review status: criteria provided, single submitter. Criteria: Invitae Variant Classification Sherloc (09022015). Collection method: clinical testing. Allele origin: germline.
Comment: This sequence change creates a premature translational stop signal (p.Arg439*) in the HPS1 gene. It is expected to result in an absent or disrupted protein product. Loss-of-function variants in HPS1 are known to be pathogenic (PMID: 12442288, 16185271). This variant is present in population databases (no rsID available, gnomAD 0.007%). This premature translational stop signal has been observed in individual(s) with Hermansky-Pudlak syndrome (PMID: 34216551). ClinVar contains an entry for this variant (Variation ID: 1341379). For these reasons, this variant has been classified as Pathogenic.

Natera, Inc.
Classification: Pathogenic for Hermansky-Pudlak syndrome. Last evaluated: 2025-05-27. Review status: criteria provided, single submitter. Criteria: Natera Variant Classification Schema (03/2026). Collection method: clinical testing. Allele origin: germline.
Comment: The c.1315C>T variant in HPS1 is a nonsense variant predicted to introduce a stop codon at amino acid 439. This variant is expected to result in nonsense mediated decay, truncation, or a dysfunctional protein product. This variant is rare in the general population with a frequency below the threshold expected for the associated phenotype(s). This variant has been observed in one or more individuals affected with the associated recessive disease, as either homozygous or compound heterozygous with a second variant (PMID: 34216551). Given the available evidence, this variant is classified as Pathogenic.

Myriad Genetics, Inc.
Classification: Pathogenic for Hermansky-Pudlak syndrome 1. Last evaluated: 2024-04-28. Review status: criteria provided, single submitter. Criteria: Myriad Autosomal Dominant, Autosomal Recessive and X-Linked Classification Criteria (2023). Collection method: clinical testing. Allele origin: unknown.
Comment: NM_000195.3(HPS1):c.1315C>T(R439*) is expected to be pathogenic in the context of Hermansky-Pudlak syndrome, HPS1-related. This variant is predicted to lead to an abnormal or absent protein product due to the creation of a premature termination codon in HPS1, a gene where loss-of-function variants are known to be pathogenic. Please note: this variant was assessed in the context of healthy population screening.

Fulgent Genetics
Classification: Pathogenic for Hermansky-Pudlak syndrome 1. Last evaluated: 2024-01-15. Review status: criteria provided, single submitter. Criteria: ACMG Guidelines, 2015. Collection method: clinical testing. Allele origin: germline.

Baylor Genetics
Classification: Pathogenic for Hermansky-Pudlak syndrome 1. Last evaluated: 2022-04-29. Review status: criteria provided, single submitter. Criteria: ACMG Guidelines, 2015. Collection method: clinical testing. Allele origin: unknown.

Broad Center for Mendelian Genomics, Broad Institute of MIT and Harvard
Classification: Pathogenic for Hermansky-Pudlak syndrome. Last evaluated: 2021-11-29. Review status: criteria provided, single submitter. Criteria: ACMG Guidelines, 2015. Collection method: curation. Allele origin: germline. Inheritance: Autosomal recessive inheritance.
Comment: The p.Arg439Ter variant in HPS1 has been reported in 2 individuals with Hermansky-Pudlak syndrome (PMID: 34216551, DOI: 10.1183/16000617.0193-2020), and has been identified in 0.006% (1/15398) of European (non-Finnish) chromosomes by the Genome Aggregation Database (gnomAD; dbSNP ID: rs1185127836). Although this variant has been seen in the general population in a heterozygous state, its frequency is low enough to be consistent with a recessive carrier frequency. Of the 2 affected individuals, 1 was a compound heterozygote that carried a reported pathogenic variant in trans, which increases the likelihood that the p.Arg439Ter variant is pathogenic (VariationID: 21091; DOI: 10.1183/16000617.0193-2020). This nonsense variant leads to a premature termination codon at position 439, which is predicted to lead to a truncated or absent protein. Loss of function of the HPS1 gene is an established disease mechanism in autosomal recessive Hermansky-Pudlak syndrome. In summary, this variant meets criteria to be classified as pathogenic for autosomal recessive Hermansky-Pudlak syndrome. ACMG/AMP Criteria applied: PM3, PM2_supporting, PVS1 (Richards 2015).

Literature cited by the submitters: PubMed 12442288 (cited by Labcorp Genetics (formerly Invitae), Labcorp); PubMed 16185271 (cited by Labcorp Genetics (formerly Invitae), Labcorp); PubMed 34216551 (cited by Labcorp Genetics (formerly Invitae), Labcorp and Natera, Inc.).